The following is an entry in ClinVar:

ClinVar aggregate classification (germline): Uncertain significance (1 of 4 stars; one submission).

Submission:

Labcorp Genetics (formerly Invitae), Labcorp
Classification: Uncertain significance. Last evaluated: 2025-12-22. Review status: criteria provided, single submitter. Criteria: Invitae Variant Classification Sherloc (09022015). Collection method: clinical testing. Allele origin: germline.
Comment: This sequence change replaces arginine, which is basic and polar, with histidine, which is basic and polar, at codon 1454 of the SETBP1 protein (p.Arg1454His). This variant is not present in population databases (gnomAD no frequency). This variant has not been reported in the literature in individuals affected with SETBP1-related conditions. Invitae Evidence Modeling of protein sequence and biophysical properties (such as structural, functional, and spatial information, amino acid conservation, physicochemical variation, residue mobility, and thermodynamic stability) indicates that this missense variant is expected to disrupt SETBP1 protein function with a positive predictive value of 80%. In summary, the available evidence is currently insufficient to determine the role of this variant in disease. Therefore, it has been classified as a Variant of Uncertain Significance.

NM_015559.3(SETBP1):c.4361G>A (p.Arg1454His)

Gene: SETBP1 (SET binding protein 1; plus strand). Cytogenetic location: 18q12.3.
Variant type: single nucleotide variant.
Coding change: c.4361G>A on transcript NM_015559.3 (MANE Select); coding-DNA position 4361, G replaced by A.
Protein change: p.Arg1454His; replaces arginine 1454 with histidine.
Molecular consequence: missense variant.
Genome position (GRCh38, 1-based): chr18:45,063,268, G>A. VCF-style: chr18-45063268-G-A. GRCh37 (hg19) VCF-style: chr18-42643233-G-A.
Other names: c.4361G>A, p.Arg1454His (NM_001379141.1, NM_001379142.1); c.4190G>A, p.Arg1397His (NM_001410862.1); short protein forms R1397H, R1454H.
Identifiers: ClinVar variation 4810670 (VCV004810670.1).